The following is an entry in ClinVar:

NM_000552.5(VWF):c.25G>T (p.Val9Leu)

Gene: VWF (von Willebrand factor; minus strand). Cytogenetic location: 12p13.31.
Variant type: single nucleotide variant.
Coding change: c.25G>T on transcript NM_000552.5 (MANE Select); coding-DNA position 25, G replaced by T.
Protein change: p.Val9Leu; replaces valine 9 with leucine.
Molecular consequence: missense variant.
Genome position (GRCh38, 1-based): chr12:6,123,172, C>A on the plus strand (G>T on the coding strand, the complement: VWF is on the minus strand). VCF-style: chr12-6123172-C-A. GRCh37 (hg19) VCF-style: chr12-6232338-C-A.
Other names: short protein forms V9L.
Identifiers: ClinVar variation 1308447 (VCV001308447.2), dbSNP rs768885457, ClinGen allele CA6403987.

ClinVar aggregate classification (germline): Uncertain significance (1 of 4 stars; one submission).

gnomAD v4.1: 17 of 1,614,088 alleles (0.0011%); highest among the groups gnomAD compares: East Asian, 0.029%; no homozygotes.

Submission:

GeneDx
Classification: Uncertain significance. Last evaluated: 2019-04-11. Review status: criteria provided, single submitter. Criteria: GeneDx Variant Classification Process June 2021. Collection method: clinical testing. Allele origin: germline. Affected: yes.
Comment: In silico analysis, which includes protein predictors and evolutionary conservation, supports that this variant does not alter protein structure/function; Has not been previously published as pathogenic or benign to our knowledge